The following is an entry in ClinVar:

NM_000548.5(TSC2):c.2632C>A (p.Pro878Thr)

Gene: TSC2 (TSC complex subunit 2; plus strand). Cytogenetic location: 16p13.3.
Variant type: single nucleotide variant.
Coding change: c.2632C>A on transcript NM_000548.5 (MANE Select); coding-DNA position 2632, C replaced by A.
Protein change: p.Pro878Thr; replaces proline 878 with threonine.
Molecular consequence: missense variant. On other transcripts: non-coding transcript variant (5).
Genome position (GRCh38, 1-based): chr16:2,075,885, C>A. VCF-style: chr16-2075885-C-A. GRCh37 (hg19) VCF-style: chr16-2125886-C-A.
Other names: c.2632C>A, p.Pro878Thr (NM_001077183.3, NM_001114382.3, NM_001363528.2 and 6 more transcripts); c.2521C>A, p.Pro841Thr (NM_001318827.2, NM_001406670.1, NM_001406678.1); c.2485C>A, p.Pro829Thr (NM_001318829.2, NM_001406675.1, NM_001406676.1 and 1 more transcripts); c.2032C>A, p.Pro678Thr (NM_001318831.2, NM_001406687.1, NM_001406688.1 and 6 more transcripts); c.2665C>A, p.Pro889Thr (NM_001318832.2); c.2722C>A, p.Pro908Thr (NM_001406667.1, NM_001406668.1); c.2620C>A, p.Pro874Thr (NM_001406671.1, NM_001406673.1); c.1288C>A, p.Pro430Thr (NM_001406689.1, NM_001406690.1, NM_001406691.1 and 6 more transcripts); and 3 more; short protein forms P344T, P430T, P678T, P724T, P829T, P841T, P859T, P874T.
Identifiers: ClinVar variation 4802865 (VCV004802865.1).
Genomic context (GRCh38, chr16:2,075,885, plus strand): 5'-AGGAACTTTGCCGCGGAGCAGTATGCCAGTGTGTTCGCCATCTCCCTGCCGTACACCAAC[C>A]CCTCCAAGTGAGTGGTCGCCCCAGGCCCTGTGCCTCCCAGCCGTGGCCCCCGCTAGGCCT-3'
Protein context (NP_000539.2, residues 868-888): VFAISLPYTN[Pro878Thr]SKFNQYIVCL

ClinVar aggregate classification (germline): Uncertain significance (1 of 4 stars; one submission).

Conditions:
Tuberous sclerosis 2 (TSC2). Identifiers: Orphanet 805, MedGen C1860707, MONDO:0013199, OMIM 613254.

Submission:

Labcorp Genetics (formerly Invitae), Labcorp
Classification: Uncertain significance for Tuberous sclerosis 2. Last evaluated: 2025-12-31. Review status: criteria provided, single submitter. Criteria: Invitae Variant Classification Sherloc (09022015). Collection method: clinical testing. Allele origin: germline.
Comment: This sequence change replaces proline, which is neutral and non-polar, with threonine, which is neutral and polar, at codon 878 of the TSC2 protein (p.Pro878Thr). This variant is not present in population databases (gnomAD no frequency). This variant has not been reported in the literature in individuals affected with TSC2-related conditions. Invitae Evidence Modeling of protein sequence and biophysical properties (such as structural, functional, and spatial information, amino acid conservation, physicochemical variation, residue mobility, and thermodynamic stability) indicates that this missense variant is not expected to disrupt TSC2 protein function with a negative predictive value of 95%. In summary, the available evidence is currently insufficient to determine the role of this variant in disease. Therefore, it has been classified as a Variant of Uncertain Significance.